The following is an entry in ClinVar:

ClinVar aggregate classification (germline): Uncertain significance (1 of 4 stars; one submission).

Conditions:
Cardiovascular phenotype. Identifiers: MedGen CN230736.

Allele frequency attached by ClinVar (database versions not stated): gnomAD exomes below 0.00001.
gnomAD v4.1: 2 of 1,614,114 alleles (0.00012%); highest among the groups gnomAD compares: Non-Finnish European, 0.00017%; no homozygotes.

Submission:

Ambry Genetics
Classification: Uncertain significance for Cardiovascular phenotype. Last evaluated: 2023-06-12. Review status: criteria provided, single submitter. Criteria: Ambry Variant Classification Scheme 2023. Collection method: clinical testing. Allele origin: germline.
Comment: The p.I173T variant (also known as c.518T>C), located in coding exon 5 of the ACTN2 gene, results from a T to C substitution at nucleotide position 518. The isoleucine at codon 173 is replaced by threonine, an amino acid with similar properties. This amino acid position is conserved. In addition, the in silico prediction for this alteration is inconclusive. Since supporting evidence is limited at this time, the clinical significance of this alteration remains unclear.

NM_001103.4(ACTN2):c.518T>C (p.Ile173Thr)

Gene: ACTN2 (actinin alpha 2; plus strand). Cytogenetic location: 1q43.
Variant type: single nucleotide variant.
Coding change: c.518T>C on transcript NM_001103.4 (MANE Select); coding-DNA position 518, T replaced by C.
Protein change: p.Ile173Thr; replaces isoleucine 173 with threonine.
Molecular consequence: missense variant. On other transcripts: non-coding transcript variant (1).
Genome position (GRCh38, 1-based): chr1:236,726,002, T>C. VCF-style: chr1-236726002-T-C. GRCh37 (hg19) VCF-style: chr1-236889302-T-C.
Other names: c.518T>C, p.Ile173Thr (NM_001278343.2); c.-304T>C (NM_001278344.2); c.-429T>C (NM_001412150.1); short protein forms I173T.
Identifiers: ClinVar variation 2562770 (VCV002562770.2), dbSNP rs2527559940, ClinGen allele CA345374787.